The following is an entry in ClinVar:

NM_007327.4(GRIN1):c.1751+13C>T

Gene: GRIN1 (glutamate ionotropic receptor NMDA type subunit 1; plus strand). Cytogenetic location: 9q34.3.
Variant type: single nucleotide variant.
Coding change: c.1751+13C>T on transcript NM_007327.4 (MANE Select); 13 bases into the intron after coding-DNA position 1751, C replaced by T.
Molecular consequence: intron variant.
Genome position (GRCh38, 1-based): chr9:137,162,303, C>T. VCF-style: chr9-137162303-C-T. GRCh37 (hg19) VCF-style: chr9-140056755-C-T.
Other names: c.1814+13C>T (NM_001185090.2, NM_001185091.2); c.1751+13C>T (NM_021569.4, NM_000832.7).
Identifiers: ClinVar variation 515686 (VCV000515686.9), dbSNP rs770248563, ClinGen allele CA5360983.

ClinVar aggregate classification (germline): Likely benign. Review status: criteria provided, multiple submitters, no conflicts (2 of 4 stars). 2 submissions from 2 submitters: Likely benign (2). Last evaluated 2025-08-06.

Conditions:
Neurodevelopmental disorder with or without hyperkinetic movements and seizures, autosomal dominant. Also called: Intellectual disability, autosomal dominant 8. Identifiers: MedGen C3280282, MONDO:0013655, OMIM 614254.

Allele frequency attached by ClinVar (database versions not stated): gnomAD 0.00001; TOPMed 0.00001; gnomAD exomes 0.00003 and 0.00007; ExAC 0.00014.
gnomAD v4.1: 45 of 1,546,070 alleles (0.0029%); highest among the groups gnomAD compares: South Asian, 0.044%; 1 homozygote.

Submissions (2):

Labcorp Genetics (formerly Invitae), Labcorp
Classification: Likely benign for Neurodevelopmental disorder with or without hyperkinetic movements and seizures, autosomal dominant. Last evaluated: 2025-08-06. Review status: criteria provided, single submitter. Criteria: Invitae Variant Classification Sherloc (09022015). Collection method: clinical testing. Allele origin: germline.

GeneDx
Classification: Likely benign. Last evaluated: 2018-02-28. Review status: criteria provided, single submitter. Criteria: GeneDx Variant Classification (06012015). Collection method: clinical testing. Allele origin: germline. Affected: yes.
Comment: This variant is considered likely benign or benign based on one or more of the following criteria: it is a conservative change, it occurs at a poorly conserved position in the protein, it is predicted to be benign by multiple in silico algorithms, and/or has population frequency not consistent with disease.